The following is an entry in ClinVar:

ClinVar aggregate classification (germline): Uncertain significance. Review status: criteria provided, multiple submitters, no conflicts (2 of 4 stars). 2 submissions from 2 submitters: Uncertain significance (2). Last evaluated 2026-08-24.

Conditions:
Cardiovascular phenotype. Identifiers: MedGen CN230736.
Arrhythmogenic right ventricular cardiomyopathy (ARVD). Also called: Arrhythmogenic cardiomyopathy; Arrhythmogenic Right Ventricular Cardiomyopathy (ARVC); Arrhythmogenic right ventricular dysplasia; Cardiomyopathy, ARVC. Identifiers: Orphanet 247, MedGen C0349788, MeSH D019571, MONDO:0016587. Disease mechanism: loss of function. Inheritance: Various modes of inheritance.

Allele frequency attached by ClinVar (database versions not stated): gnomAD 0.00002 and 0.00001; gnomAD exomes below 0.00001; TOPMed 0.00002.
gnomAD v4.1: 11 of 1,613,954 alleles (0.00068%); highest among the groups gnomAD compares: African/African-American, 0.0053%; no homozygotes.

Submissions (2):

Ambry Genetics
Classification: Uncertain significance for Cardiovascular phenotype. Last evaluated: 2026-08-24. Review status: criteria provided, single submitter. Criteria: Ambry Variant Classification Scheme 2023. Collection method: clinical testing. Allele origin: germline.
Comment: The p.I934M variant (also known as c.2802A>G), located in coding exon 15 of the DSG2 gene, results from an A to G substitution at nucleotide position 2802. The isoleucine at codon 934 is replaced by methionine, an amino acid with highly similar properties. This amino acid position is conserved. In addition, this alteration is predicted to be tolerated by in silico analysis. Based on the available evidence, the clinical significance of this variant remains unclear.

All of Us Research Program, National Institutes of Health
Classification: Uncertain significance for Arrhythmogenic right ventricular cardiomyopathy. Last evaluated: 2023-11-30. Review status: criteria provided, single submitter. Criteria: ACMG Guidelines, 2015. Collection method: clinical testing. Allele origin: germline. Inheritance: Autosomal dominant inheritance. Observed: 1 variant allele, 1 heterozygote.
Comment: This study involves interpretation of variants in research participants for the purpose of population health screening. Participant phenotype was not available at the time of variant classification. Additional details can be found in publication PMID: 35346344, PMCID: PMC8962531

NM_001943.5(DSG2):c.2802A>G (p.Ile934Met)

Genes: DSG2-AS1 (DSG2 antisense RNA 1; minus strand), DSG2 (desmoglein 2; plus strand). Cytogenetic location: 18q12.1.
Variant type: single nucleotide variant.
Coding change: c.2802A>G on transcript NM_001943.5 (MANE Select); coding-DNA position 2802, A replaced by G.
Protein change: p.Ile934Met; replaces isoleucine 934 with methionine.
Molecular consequence: missense variant.
Genome position (GRCh38, 1-based): chr18:31,546,188, A>G. VCF-style: chr18-31546188-A-G. GRCh37 (hg19) VCF-style: chr18-29126151-A-G.
Other names: c.2802A>G (LRG_397t1); short protein forms I934M.
Identifiers: ClinVar variation 326487 (VCV000326487.7), dbSNP rs368584610, ClinGen allele CA10650743.